The following is an entry in ClinVar:

ClinVar aggregate classification (germline): Benign/Likely benign. Review status: criteria provided, multiple submitters, no conflicts (2 of 4 stars). 2 submissions from 2 submitters: Benign (1); Likely benign (1). Last evaluated 2026-05-07.

Conditions:
Autosomal dominant childhood-onset proximal spinal muscular atrophy with contractures (SMALED2A). Also called: SPINAL MUSCULAR ATROPHY, LOWER EXTREMITY-PREDOMINANT, 2A, CHILDHOOD ONSET, AUTOSOMAL DOMINANT; Spinal muscular atrophy, lower extremity-predominant, 2A, autosomal dominant. Identifiers: Orphanet 363447, Orphanet 363454, MedGen C4747715, MONDO:0014121, OMIM 615290.

Allele frequency attached by ClinVar (database versions not stated): TOPMed 0.00004; gnomAD 0.00058 and 0.00054; ESP Exome Variant Server 0.00008; gnomAD exomes 0.00021.
gnomAD v4.1: 389 of 1,613,814 alleles (0.024%); highest among the groups gnomAD compares: Middle Eastern, 0.033%; 1 homozygote.

Submissions (2):

Women's Health and Genetics/Laboratory Corporation of America, LabCorp
Classification: Likely benign. Last evaluated: 2026-05-07. Review status: criteria provided, single submitter. Criteria: LabCorp Variant Classification Summary - May 2015. Collection method: clinical testing. Allele origin: germline.
Comment: Variant summary: BICD2 c.1348C>T (p.Arg450Cys) results in a non-conservative amino acid change in the encoded protein sequence. Algorithms developed to predict the effect of missense changes on protein structure and function are either unavailable or do not agree on the potential impact of this missense change. The variant allele was found at a frequency of 0.00054 in 250360 control chromosomes. The observed variant frequency exceeds the estimated maximal expected allele frequency for disease-causing variants in BICD2. To our knowledge, no occurrence of c.1348C>T in individuals affected with BICD2-related conditions and no experimental evidence demonstrating its impact on protein function have been reported. ClinVar contains an entry for this variant (Variation ID: 707507). Based on the evidence outlined above, the variant was classified as likely benign.

Labcorp Genetics (formerly Invitae), Labcorp
Classification: Benign for Autosomal dominant childhood-onset proximal spinal muscular atrophy with contractures. Last evaluated: 2025-09-11. Review status: criteria provided, single submitter. Criteria: Invitae Variant Classification Sherloc (09022015). Collection method: clinical testing. Allele origin: germline.

NM_001003800.2(BICD2):c.1348C>T (p.Arg450Cys)

Gene: BICD2 (BICD cargo adaptor 2; minus strand). Cytogenetic location: 9q22.31.
Variant type: single nucleotide variant.
Coding change: c.1348C>T on transcript NM_001003800.2 (MANE Select); coding-DNA position 1348, C replaced by T.
Protein change: p.Arg450Cys; replaces arginine 450 with cysteine.
Molecular consequence: missense variant.
Genome position (GRCh38, 1-based): chr9:92,719,297, G>A on the plus strand (C>T on the coding strand, the complement: BICD2 is on the minus strand). VCF-style: chr9-92719297-G-A. GRCh37 (hg19) VCF-style: chr9-95481579-G-A.
Other names: c.1348C>T, p.Arg450Cys (NM_015250.4); short protein forms R450C.
Identifiers: ClinVar variation 707507 (VCV000707507.9), dbSNP rs201997144, ClinGen allele CA5126581.